The following is an entry in ClinVar:

ClinVar aggregate classification (germline): Uncertain significance. Review status: criteria provided, multiple submitters, no conflicts (2 of 4 stars). 2 submissions from 2 submitters: Uncertain significance (2). Last evaluated 2024-05-20.

Conditions:
Hereditary cancer-predisposing syndrome. Also called: Neoplastic Syndromes, Hereditary; Tumor predisposition; Hereditary neoplastic syndrome; Hereditary Cancer Syndrome. Identifiers: Orphanet 140162, MedGen C0027672, MeSH D009386, MONDO:0015356.

Allele frequency attached by ClinVar (database versions not stated): gnomAD 0.00001.

Submissions (2):

Color Diagnostics, LLC DBA Color Health
Classification: Uncertain significance for Hereditary cancer-predisposing syndrome. Last evaluated: 2024-05-20. Review status: criteria provided, single submitter. Criteria: ACMG Guidelines, 2015. Collection method: clinical testing. Allele origin: germline.
Comment: This missense variant replaces proline with serine at codon 2309 of the APC protein. Computational prediction suggests that this variant may not impact protein structure and function. To our knowledge, functional studies have not been reported for this variant. This variant has not been reported in individuals affected with APC-related disorders in the literature. This variant has been identified in 1/31392 chromosomes in the general population by the Genome Aggregation Database (gnomAD). The available evidence is insufficient to determine the role of this variant in disease conclusively. Therefore, this variant is classified as a Variant of Uncertain Significance.

Ambry Genetics
Classification: Uncertain significance for Hereditary cancer-predisposing syndrome. Last evaluated: 2024-01-31. Review status: criteria provided, single submitter. Criteria: Ambry Variant Classification Scheme 2023. Collection method: clinical testing. Allele origin: germline.
Comment: The p.P2309S variant (also known as c.6925C>T), located in coding exon 15 of the APC gene, results from a C to T substitution at nucleotide position 6925. The proline at codon 2309 is replaced by serine, an amino acid with similar properties. This amino acid position is conserved. In addition, in silico predictors for this gene do not accurately predict pathogenicity. Based on the available evidence, the clinical significance of this alteration remains unclear.

NM_000038.6(APC):c.6925C>T (p.Pro2309Ser)

Gene: APC (APC regulator of Wnt signaling pathway; plus strand). Cytogenetic location: 5q22.2.
Variant type: single nucleotide variant.
Coding change: c.6925C>T on transcript NM_000038.6 (MANE Select); coding-DNA position 6925, C replaced by T.
Protein change: p.Pro2309Ser; replaces proline 2309 with serine.
Molecular consequence: missense variant. On other transcripts: non-coding transcript variant (2).
Genome position (GRCh38, 1-based): chr5:112,842,519, C>T. VCF-style: chr5-112842519-C-T. GRCh37 (hg19) VCF-style: chr5-112178216-C-T.
Other names: c.6955C>T, p.Pro2319Ser (NM_001354897.2); c.6850C>T, p.Pro2284Ser (NM_001354898.2); c.6841C>T, p.Pro2281Ser (NM_001354899.2); c.6802C>T, p.Pro2268Ser (NM_001354900.2); c.6748C>T, p.Pro2250Ser (NM_001354901.2, NM_001407453.1); c.6652C>T, p.Pro2218Ser (NM_001354902.2); c.6622C>T, p.Pro2208Ser (NM_001354903.2, NM_001407458.1, NM_001407459.1 and 1 more transcripts); c.6547C>T, p.Pro2183Ser (NM_001354904.2); and 11 more; short protein forms P1925S, P2026S, P2149S, P2180S, P2183S, P2208S, P2218S, P2226S.
Identifiers: ClinVar variation 3231082 (VCV003231082.2), dbSNP rs1390932771, ClinGen allele CA16036438.
Genomic context (GRCh38, chr5:112,842,519, plus strand): 5'-ACATCCCAAATAGGTGGGTCAAGTAAAGCACCTTCTAGATCAGGATCTAGAGATTCGACC[C>T]CTTCAAGACCTGCCCAGCAACCATTAAGTAGACCTATACAGTCTCCTGGCCGAAACTCAA-3'
Protein context (NP_000029.2, residues 2299-2319): PSRSGSRDST[Pro2309Ser]SRPAQQPLSR